The following is an entry in ClinVar:

ClinVar aggregate classification (germline): Uncertain significance. Review status: criteria provided, multiple submitters, no conflicts (2 of 4 stars). 3 submissions from 3 submitters: Uncertain significance (3). Last evaluated 2025-02-11.

Conditions:
Autosomal recessive limb-girdle muscular dystrophy type 2O. Also called: Limb-Girdle Muscular Dystrophy Type 3C; MUSCULAR DYSTROPHY-DYSTROGLYCANOPATHY (LIMB-GIRDLE), TYPE C, 3; MUSCULAR DYSTROPHY-DYSTROGLYCANOPATHY, LIMB-GIRDLE, POMGNT1-RELATED. Identifiers: Orphanet 206564, MedGen C3150417, MONDO:0013161, OMIM 613157.
Muscular dystrophy-dystroglycanopathy (congenital with impaired intellectual development), type B, 3. Also called: Muscular dystrophy-dystroglycanopathy (congenital with intellectual disability), type B3; MUSCULAR DYSTROPHY, CONGENITAL, POMGNT1-RELATED. Identifiers: MedGen C3150412, MONDO:0013155, OMIM 613151.
Muscular dystrophy-dystroglycanopathy (congenital with brain and eye anomalies), type A3. Also called: Congenital muscular dystrophy-dystroglycanopathy with brain and eye anomalies, type A3; WALKER-WARBURG SYNDROME OR MUSCLE-EYE-BRAIN DISEASE, POMGNT1-RELATED; Muscular dystrophy-dystroglycanopathy (congenital with brain and eye anomalies), type A, 3. Identifiers: MedGen C3151519, MONDO:0009667, OMIM 253280.
Retinitis pigmentosa 76 (RP76). Identifiers: MedGen C4310704, MONDO:0014929, OMIM 617123.

Allele frequency attached by ClinVar (database versions not stated): gnomAD exomes below 0.00001; TOPMed 0.00006.
gnomAD v4.1: 8 of 1,614,162 alleles (0.0005%); highest among the groups gnomAD compares: East Asian, 0.016%; no homozygotes.

Submissions (3):

Labcorp Genetics (formerly Invitae), Labcorp
Classification: Uncertain significance for Autosomal recessive limb-girdle muscular dystrophy type 2O; Muscular dystrophy-dystroglycanopathy (congenital with impaired intellectual development), type B, 3. Last evaluated: 2025-02-11. Review status: criteria provided, single submitter. Criteria: Invitae Variant Classification Sherloc (09022015). Collection method: clinical testing. Allele origin: germline.
Comment: This sequence change replaces proline, which is neutral and non-polar, with histidine, which is basic and polar, at codon 286 of the POMGNT1 protein (p.Pro286His). This variant is present in population databases (no rsID available, gnomAD 0.04%). This variant has not been reported in the literature in individuals affected with POMGNT1-related conditions. ClinVar contains an entry for this variant (Variation ID: 2194569). Invitae Evidence Modeling of protein sequence and biophysical properties (such as structural, functional, and spatial information, amino acid conservation, physicochemical variation, residue mobility, and thermodynamic stability) indicates that this missense variant is not expected to disrupt POMGNT1 protein function with a negative predictive value of 95%. In summary, the available evidence is currently insufficient to determine the role of this variant in disease. Therefore, it has been classified as a Variant of Uncertain Significance.

Fulgent Genetics
Classification: Uncertain significance for Muscular dystrophy-dystroglycanopathy (congenital with brain and eye anomalies), type A3; Muscular dystrophy-dystroglycanopathy (congenital with impaired intellectual development), type B, 3; Autosomal recessive limb-girdle muscular dystrophy type 2O; Retinitis pigmentosa 76. Last evaluated: 2024-06-12. Review status: criteria provided, single submitter. Criteria: ACMG Guidelines, 2015. Collection method: clinical testing. Allele origin: germline.

Blueprint Genetics
Classification: Uncertain significance. Last evaluated: 2021-11-07. Review status: criteria provided, single submitter. Criteria: ACMG Guidelines, 2015. Collection method: clinical testing. Allele origin: germline.

NM_017739.4(POMGNT1):c.857C>A (p.Pro286His)

Genes: POMGNT1 (protein O-linked mannose N-acetylglucosaminyltransferase 1 (beta 1,2-); minus strand), TSPAN1 (tetraspanin 1; plus strand). Cytogenetic location: 1p34.1.
Variant type: single nucleotide variant.
Coding change: c.857C>A on transcript NM_017739.4 (MANE Select); coding-DNA position 857, C replaced by A.
Protein change: p.Pro286His; replaces proline 286 with histidine.
Molecular consequence: missense variant.
Genome position (GRCh38, 1-based): chr1:46,194,296, G>T on the plus strand (C>A on the coding strand, the complement: POMGNT1 is on the minus strand). VCF-style: chr1-46194296-G-T. GRCh37 (hg19) VCF-style: chr1-46659968-G-T.
Other names: c.857C>A, p.Pro286His (NM_001243766.2, NM_001410783.1); c.791C>A, p.Pro264His (NM_001290129.3); c.428C>A, p.Pro143His (NM_001290130.2); short protein forms P286H, P264H, P143H.
Identifiers: ClinVar variation 2194569 (VCV002194569.4), dbSNP rs1164161791, ClinGen allele CA340182607.